The following is an entry in ClinVar:

NM_004104.5(FASN):c.3670C>T (p.Leu1224Phe)

Gene: FASN (fatty acid synthase; minus strand). Cytogenetic location: 17q25.3.
Variant type: single nucleotide variant.
Coding change: c.3670C>T on transcript NM_004104.5 (MANE Select); coding-DNA position 3670, C replaced by T.
Protein change: p.Leu1224Phe; replaces leucine 1224 with phenylalanine.
Molecular consequence: missense variant.
Genome position (GRCh38, 1-based): chr17:82,086,316, G>A on the plus strand (C>T on the coding strand, the complement: FASN is on the minus strand). VCF-style: chr17-82086316-G-A. GRCh37 (hg19) VCF-style: chr17-80044192-G-A.
Other names: short protein forms L1224F.
Identifiers: ClinVar variation 1041883 (VCV001041883.6), dbSNP rs2034097272, ClinGen allele CA401551439.

ClinVar aggregate classification (germline): Uncertain significance (1 of 4 stars; one submission).

Conditions:
Epileptic encephalopathy. Identifiers: MedGen C0543888, HP:0200134.

Allele frequency attached by ClinVar (database versions not stated): TOPMed below 0.00001.
gnomAD v4.1: 5 of 1,602,314 alleles (0.00031%); highest among the groups gnomAD compares: African/African-American, 0.0027%; no homozygotes.

Submission:

Labcorp Genetics (formerly Invitae), Labcorp
Classification: Uncertain significance for Epileptic encephalopathy. Last evaluated: 2021-09-01. Review status: criteria provided, single submitter. Criteria: Invitae Variant Classification Sherloc (09022015). Collection method: clinical testing. Allele origin: germline.
Comment: This sequence change replaces leucine with phenylalanine at codon 1224 of the FASN protein (p.Leu1224Phe). The leucine residue is highly conserved and there is a small physicochemical difference between leucine and phenylalanine. This variant is not present in population databases (ExAC no frequency). This variant has not been reported in the literature in individuals affected with FASN-related conditions. Algorithms developed to predict the effect of missense changes on protein structure and function are either unavailable or do not agree on the potential impact of this missense change (SIFT: "Deleterious"; PolyPhen-2: "Benign"; Align-GVGD: "Class C0"). In summary, the available evidence is currently insufficient to determine the role of this variant in disease. Therefore, it has been classified as a Variant of Uncertain Significance.